The following is an entry in ClinVar:

ClinVar aggregate classification (germline): Uncertain significance (1 of 4 stars; one submission).

Conditions:
Leber congenital amaurosis 13 (LCA13). Identifiers: MedGen C2675186, MONDO:0012990, OMIM 612712.

Allele frequency attached by ClinVar (database versions not stated): gnomAD exomes below 0.00001; TOPMed below 0.00001; ExAC 0.00001.
gnomAD v4.1: 2 of 1,591,356 alleles (0.00013%); highest among the groups gnomAD compares: Admixed American, 0.0017%; no homozygotes.

Submission:

Labcorp Genetics (formerly Invitae), Labcorp
Classification: Uncertain significance for Leber congenital amaurosis 13. Last evaluated: 2024-08-30. Review status: criteria provided, single submitter. Criteria: Invitae Variant Classification Sherloc (09022015). Collection method: clinical testing. Allele origin: germline.
Comment: This sequence change falls in intron 3 of the RDH12 gene. It does not directly change the encoded amino acid sequence of the RDH12 protein. It affects a nucleotide within the consensus splice site. This variant is present in population databases (rs757508966, gnomAD 0.003%). This variant has not been reported in the literature in individuals affected with RDH12-related conditions. ClinVar contains an entry for this variant (Variation ID: 968874). Variants that disrupt the consensus splice site are a relatively common cause of aberrant splicing (PMID: 17576681, 9536098). Algorithms developed to predict the effect of sequence changes on RNA splicing suggest that this variant is not likely to affect RNA splicing. In summary, the available evidence is currently insufficient to determine the role of this variant in disease. Therefore, it has been classified as a Variant of Uncertain Significance.

Literature cited by the submitters: PubMed 17576681; PubMed 9536098.

NM_152443.3(RDH12):c.69-3T>C

Genes: RDH12 (retinol dehydrogenase 12; plus strand), GPHN (gephyrin; plus strand). Cytogenetic location: 14q24.1.
Variant type: single nucleotide variant.
Coding change: c.69-3T>C on transcript NM_152443.3 (MANE Select); 3 bases into the intron before coding-DNA position 69, T replaced by C.
Molecular consequence: intron variant.
Genome position (GRCh38, 1-based): chr14:67,724,470, T>C. VCF-style: chr14-67724470-T-C. GRCh37 (hg19) VCF-style: chr14-68191187-T-C.
Identifiers: ClinVar variation 968874 (VCV000968874.6), dbSNP rs757508966, ClinGen allele CA7238595.
Genomic context (GRCh38, chr14:67,724,470, plus strand): 5'-AACGTATCTTAGTGTGAGCTCGTGAAGGATGGTACGTGATGCTCTTGTTTCCCTTGCCGA[T>C]AGGAAGTTCTTTGCTGGTGGAGTGTGTAGAACAAATGTGCAGCTTCCTGGCAAGGTAGTG-3'